The following is an entry in ClinVar:

NM_000232.5(SGCB):c.668G>A (p.Arg223His)

Gene: SGCB (sarcoglycan beta; minus strand). Cytogenetic location: 4q12.
Variant type: single nucleotide variant.
Coding change: c.668G>A on transcript NM_000232.5 (MANE Select); coding-DNA position 668, G replaced by A.
Protein change: p.Arg223His; replaces arginine 223 with histidine.
Molecular consequence: missense variant.
Genome position (GRCh38, 1-based): chr4:52,028,053, C>T on the plus strand (G>A on the coding strand, the complement: SGCB is on the minus strand). VCF-style: chr4-52028053-C-T. GRCh37 (hg19) VCF-style: chr4-52894219-C-T.
Other names: short protein forms R223H.
Identifiers: ClinVar variation 286721 (VCV000286721.7), dbSNP rs754898211, ClinGen allele CA2918323.

ClinVar aggregate classification (germline): Uncertain significance. Review status: criteria provided, multiple submitters, no conflicts (2 of 4 stars). 2 submissions from 2 submitters: Uncertain significance (2). Last evaluated 2024-10-29.

Conditions:
Autosomal recessive limb-girdle muscular dystrophy type 2E (LGMDR4). Also called: MUSCULAR DYSTROPHY, LIMB-GIRDLE, AUTOSOMAL RECESSIVE 4. Identifiers: Orphanet 119, MedGen C1858593, MONDO:0011423, OMIM 604286. Disease mechanism: Affects gamma-sarcoglycan and also disrupts the integrity of the entire sarcoglycan complex..

Allele frequency attached by ClinVar (database versions not stated): ExAC 0.00002; gnomAD 0.00002; TOPMed 0.00004; gnomAD exomes 0.00001 and 0.00002.
gnomAD v4.1: 19 of 1,612,942 alleles (0.0012%); highest among the groups gnomAD compares: East Asian, 0.0045%; no homozygotes.

Submissions (2):

Labcorp Genetics (formerly Invitae), Labcorp
Classification: Uncertain significance for Autosomal recessive limb-girdle muscular dystrophy type 2E. Last evaluated: 2024-10-29. Review status: criteria provided, single submitter. Criteria: Invitae Variant Classification Sherloc (09022015). Collection method: clinical testing. Allele origin: germline.
Comment: This sequence change replaces arginine, which is basic and polar, with histidine, which is basic and polar, at codon 223 of the SGCB protein (p.Arg223His). This variant is present in population databases (rs754898211, gnomAD 0.01%). This variant has not been reported in the literature in individuals affected with SGCB-related conditions. ClinVar contains an entry for this variant (Variation ID: 286721). Invitae Evidence Modeling of protein sequence and biophysical properties (such as structural, functional, and spatial information, amino acid conservation, physicochemical variation, residue mobility, and thermodynamic stability) indicates that this missense variant is not expected to disrupt SGCB protein function with a negative predictive value of 80%. In summary, the available evidence is currently insufficient to determine the role of this variant in disease. Therefore, it has been classified as a Variant of Uncertain Significance.

Eurofins Ntd Llc (ga)
Classification: Uncertain significance. Last evaluated: 2016-03-16. Review status: criteria provided, single submitter. Criteria: EGL Classification Definitions 2015. Collection method: clinical testing. Allele origin: germline. Observed: 1 variant allele, 1 heterozygote.